The following is an entry in ClinVar:

NM_000264.5(PTCH1):c.2888-5T>C

Gene: PTCH1 (patched 1; minus strand). Cytogenetic location: 9q22.32.
Variant type: single nucleotide variant.
Coding change: c.2888-5T>C on transcript NM_000264.5 (MANE Select); 5 bases into the intron before coding-DNA position 2888, T replaced by C.
Molecular consequence: intron variant.
Genome position (GRCh38, 1-based): chr9:95,458,298, A>G on the plus strand (T>C on the coding strand, the complement: PTCH1 is on the minus strand). VCF-style: chr9-95458298-A-G. GRCh37 (hg19) VCF-style: chr9-98220580-A-G.
Other names: c.2435-5T>C (NM_001083605.3, NM_001083604.3, NM_001083606.3 and 1 more transcripts); c.2885-5T>C (NM_001083603.3); c.2690-5T>C (NM_001083602.3); c.2732-5T>C (NM_001354918.2).
Identifiers: ClinVar variation 4862627 (VCV004862627.1).

ClinVar aggregate classification (germline): Uncertain significance (1 of 4 stars; one submission).

Conditions:
Hereditary cancer-predisposing syndrome. Also called: Neoplastic Syndromes, Hereditary; Tumor predisposition; Hereditary Cancer Syndrome; Hereditary neoplastic syndrome. Identifiers: Orphanet 140162, MedGen C0027672, MeSH D009386, MONDO:0015356.

gnomAD v4.1: 4 of 1,613,396 alleles (0.00025%); highest among the groups gnomAD compares: South Asian, 0.0044%; no homozygotes.

Submission:

Ambry Genetics
Classification: Uncertain significance for Hereditary cancer-predisposing syndrome. Last evaluated: 2026-04-23. Review status: criteria provided, single submitter. Criteria: Ambry Variant Classification Scheme 2023. Collection method: clinical testing. Allele origin: germline.
Comment: The c.2888-5T>C intronic variant results from a T to C substitution 5 nucleotides upstream from coding exon 18 in the PTCH1 gene. This nucleotide position is not well conserved in available vertebrate species. In silico splice site analysis predicts that this alteration will not have any significant effect on splicing. Based on the available evidence, the clinical significance of this variant remains unclear.